The following is an entry in ClinVar:

NM_001128228.3(TPRN):c.1818GGA[8] (p.Glu621del)

Gene: TPRN (taperin; minus strand). Cytogenetic location: 9q34.3.
Variant type: Microsatellite.
Coding change: c.1818GGA[8] on transcript NM_001128228.3 (MANE Select); eight copies in a row of the 3-base unit GGA starting at c.1818; the reference has nine copies in a row; one copy, 3 bases deleted; also written c.1842_1844del.
Protein change: p.Glu621del; deletes glutamic acid 621.
Molecular consequence: inframe deletion.
Genome position (GRCh38, 1-based): chr9:137,192,573-137,192,575, TCC deleted on the plus strand (GGA on the coding strand, the reverse complement: TPRN is on the minus strand); deleting any 3 consecutive bases within chr9:137,192,573-137,192,600 gives the same sequence; the position shown is the placement nearest the transcript's 3' end. VCF-style (leftmost placement, unchanged base first): chr9-137192572-TTCC-T. GRCh37 (hg19) VCF-style: chr9-140087024-TTCC-T.
Other names: c.1842_1844del (NM_001128228.2); short protein forms E621del.
Identifiers: ClinVar variation 165579 (VCV000165579.26), dbSNP rs376810326, ClinGen allele CA178320.

ClinVar aggregate classification (germline): Benign/Likely benign. Review status: criteria provided, multiple submitters, no conflicts (2 of 4 stars). 6 submissions from 6 submitters: Benign (5); Likely benign (1). Last evaluated 2025-12-13.

Conditions:
Autosomal recessive nonsyndromic hearing loss 79. Identifiers: Orphanet 90636, MedGen C2750082, MONDO:0013215, OMIM 613307.

Submissions (6):

Labcorp Genetics (formerly Invitae), Labcorp
Classification: Benign. Last evaluated: 2025-12-13. Review status: criteria provided, single submitter. Criteria: Invitae Variant Classification Sherloc (09022015). Collection method: clinical testing. Allele origin: germline.

Blueprint Genetics
Classification: Likely benign. Last evaluated: 2024-11-27. Review status: criteria provided, single submitter. Criteria: ACMG Guidelines, 2015. Collection method: clinical testing. Allele origin: germline.

ARUP Laboratories, Molecular Genetics and Genomics, ARUP Laboratories
Classification: Benign for Autosomal recessive nonsyndromic hearing loss 79. Last evaluated: 2023-11-29. Review status: criteria provided, single submitter. Criteria: ARUP Molecular Germline Variant Investigation Process 2024. Collection method: clinical testing. Allele origin: germline.

Athena Diagnostics
Classification: Benign. Last evaluated: 2019-02-15. Review status: criteria provided, single submitter. Criteria: Athena Diagnostics Criteria. Collection method: clinical testing. Allele origin: germline.

GeneDx
Classification: Benign. Last evaluated: 2018-07-09. Review status: criteria provided, single submitter. Criteria: GeneDx Variant Classification Process June 2021. Collection method: clinical testing. Allele origin: germline. Affected: yes.

Laboratory for Molecular Medicine, Mass General Brigham Personalized Medicine
Classification: Benign. Last evaluated: 2013-09-11. Review status: criteria provided, single submitter. Criteria: LMM Criteria. Collection method: clinical testing. Allele origin: germline. Observed: 8 variant alleles.
Comment: Glu621del in Exon 2 of TPRN: This variant is not expected to have clinical signi ficance because it has been identified in 5.7% (455/8007) of European American c hromosomes and 6.5% (264/4126) of African American chromosomes by the NHLBI Exom e Sequencing Project (dbSNP rs77086130 ).